The following is an entry in ClinVar:

ClinVar aggregate classification (germline): Pathogenic (1 of 4 stars; one submission).

Conditions:
Familial thoracic aortic aneurysm and aortic dissection (TAAD). Also called: Thoracic aortic aneurysms and dissections. Identifiers: Orphanet 91387, MedGen C4707243, MONDO:0019625.

Submission:

Ambry Genetics
Classification: Pathogenic for Familial thoracic aortic aneurysm and aortic dissection. Last evaluated: 2017-03-23. Review status: criteria provided, single submitter. Criteria: Ambry Variant Classification Scheme 2023. Collection method: clinical testing. Allele origin: germline.
Comment: The c.3947delG pathogenic mutation, located in coding exon 31 of the FBN1 gene, results from a deletion of one nucleotide at nucleotide position 3947, causing a translational frameshift with a predicted alternate stop codon (p.G1316Efs*97). This alteration is expected to result in loss of function by premature protein truncation or nonsense-mediated mRNA decay. As such, this alteration is interpreted as a disease-causing mutation.

NM_000138.5(FBN1):c.3947del (p.Gly1316fs)

Gene: FBN1 (fibrillin 1; minus strand). Cytogenetic location: 15q21.1.
Variant type: Deletion.
Coding change: c.3947del on transcript NM_000138.5 (MANE Select); coding-DNA position 3947, one base deleted (G; older notation c.3947delG).
Protein change: p.Gly1316fs; shifts the reading frame from glycine 1316.
Molecular consequence: frameshift variant.
Genome position (GRCh38, 1-based): chr15:48,481,672, C deleted on the plus strand (G on the coding strand, the reverse complement: FBN1 is on the minus strand); the first of 2 consecutive C bases (chr15:48,481,672-48,481,673); deleting either gives the same sequence. VCF-style (leftmost placement, unchanged base first): chr15-48481671-TC-T. GRCh37 (hg19) VCF-style: chr15-48773868-TC-T.
Other names: c.3947delG (NM_000138.4); short protein forms G1316fs.
Identifiers: ClinVar variation 519763 (VCV000519763.5), dbSNP rs1555398143, ClinGen allele CA658798364.